The following is an entry in ClinVar:

ClinVar aggregate classification (germline): Pathogenic (1 of 4 stars; one submission).

Conditions:
Hereditary breast ovarian cancer syndrome. Also called: Hereditary breast and ovarian cancer; Breast and ovarian cancer; BRCA1- and BRCA2-Associated Hereditary Breast and Ovarian Cancer; Hereditary breast and/or ovarian cancer syndrome; Hereditary breast and ovarian cancer syndrome; Hereditary breast and ovarian cancer syndrome (HBOC). Identifiers: Orphanet 145, MedGen C0677776, MeSH D061325, MONDO:0003582. Disease mechanism: loss of function.

Submission:

Labcorp Genetics (formerly Invitae), Labcorp
Classification: Pathogenic for Hereditary breast ovarian cancer syndrome. Last evaluated: 2016-09-07. Review status: criteria provided, single submitter. Criteria: Invitae Variant Classification Sherloc (09022015). Collection method: clinical testing. Allele origin: germline.
Comment: For these reasons, this variant has been classified as Pathogenic. While this particular variant has not been reported in the literature, loss-of-function variants in BRCA2 are known to be pathogenic (PMID: 20104584). This sequence change inserts 238 nucleotides in exon 11 of the BRCA2 mRNA (c.4098_4099ins238), causing a frameshift at codon 1367. This creates a premature translational stop signal (p.Lys1367Phefs*65) and is expected to result in an absent or disrupted protein product.

Literature cited by the submitters: PubMed 20104584.

NM_000059.4(BRCA2):c.4098_4099insTTTTTTTTTTTTTTTTTTTTTTTTTTTTTTGAGACGGAGTCTCGTTCTGTCGCCCAGGCGGGAGTGCTGTGGCGCGATCTCCGCTCACTGCAAGCTCCGCCTTCCGGGTTCACGCCATTCTCCTGCCTCAGCCTCCCGAGTAGCTGGGACTACAGGCGCCCGCCACTGCGCCCGGCTAATTTTTTGTATTTTTAGTAGAGACGGGGTTTCACCGTGGTCTCGATCCAACATATGTCTT (p.Lys1367delinsPhePhePhePhePhePhePhePhePhePheGluThrGluSerArgSerValAlaGlnAlaGlyValLeuTrpArgAspLeuArgSerLeuGlnAlaProProSerGlyPheThrProPheSerCysLeuSerLeuProSerSerTrpAspTyrArgArgProProLeuArgProAlaAsnPheLeuTyrPheTer)

Gene: BRCA2 (BRCA2 DNA repair associated; plus strand). Cytogenetic location: 13q13.1.
Variant type: Insertion.
Coding change: c.4098_4099insTTTTTTTTTTTTTTTTTTTTTTTTTTTTTTGAGACGGAGTCTCGTTCTGTCGCCCAGGCGGGAGTGCTGTGGCGCGATCTCCGCTCACTGCAAGCTCCGCCTTCCGGGTTCACGCCATTCTCCTGCCTCAGCCTCCCGAGTAGCTGGGACTACAGGCGCCCGCCACTGCGCCCGGCTAATTTTTTGTATTTTTAGTAGAGACGGGGTTTCACCGTGGTCTCGATCCAACATATGTCTT on transcript NM_000059.4 (MANE Select); coding-DNA positions 4098 to 4099, TTTTTTTTTTTTTTTTTTTTTTTTTTTTTTGAGACGGAGTCTCGTTCTGTCGCCCAGGCGGGAGTGCTGTGGCGCGATCTCCGCTCACTGCAAGCTCCGCCTTCCGGGTTCACGCCATTCTCCTGCCTCAGCCTCCCGAGTAGCTGGGACTACAGGCGCCCGCCACTGCGCCCGGCTAATTTTTTGTATTTTTAGTAGAGACGGGGTTTCACCGTGGTCTCGATCCAACATATGTCTT inserted.
Protein change: p.Lys1367delinsPhePhePhePhePhePhePhePhePhePheGluThrGluSerArgSerValAlaGlnAlaGlyValLeuTrpArgAspLeuArgSerLeuGlnAlaProProSerGlyPheThrProPheSerCysLeuSerLeuProSerSerTrpAspTyrArgArgProProLeuArgProAlaAsnPheLeuTyrPheTer.
Molecular consequence: nonsense.
Genome position: GRCh38: chr13:32,338,453-32,338,454. GRCh37 (hg19): chr13:32,912,590-32,912,591.
Identifiers: ClinVar variation 1075079 (VCV001075079.9), dbSNP rs2137502763, ClinGen allele CA2499222154.